The following is an entry in ClinVar:

ClinVar aggregate classification (germline): Uncertain significance. Review status: criteria provided, multiple submitters, no conflicts (2 of 4 stars). 4 submissions from 4 submitters: Uncertain significance (4). Last evaluated 2025-10-13.

Conditions:
Malignant hyperthermia, susceptibility to, 1 (MHS1). Also called: RYR1-Related Malignant Hyperthermia Susceptibility; Anesthesia related hyperthermia; Malignant hyperpyrexia; Fulminating hyperpyrexia; Pharmacogenic myopathy; Malignant hyperthermia suceptibility 1. Identifiers: Orphanet 423, MedGen C2930980, MONDO:0007783, OMIM 145600.
Congenital multicore myopathy with external ophthalmoplegia (CMYO1B). Also called: MULTIMINICORE DISEASE WITH EXTERNAL OPHTHALMOPLEGIA; Congenital myopathy 1B, autosomal recessive; Minicore myopathy; Minicore myopathy with external ophthalmoplegia; MULTICORE MYOPATHY. Identifiers: Orphanet 598, Orphanet 98905, MedGen C1850674, MONDO:0009712, OMIM 255320, HP:0003789.
Congenital myopathy with fiber type disproportion. Also called: Congenital fiber-type disproportion; Congenital fiber-type disproportion myopathy. Identifiers: Orphanet 2020, MedGen C0546264, MONDO:0009711. Inheritance: all.
Central core myopathy (CMYO1A). Also called: CONGENITAL MYOPATHY 1A, AUTOSOMAL DOMINANT, WITH SUSCEPTIBILITY TO MALIGNANT HYPERTHERMIA; Central core disease; Myopathy, central fibrillar. Identifiers: Orphanet 597, MedGen C5830701, MONDO:0007294, OMIM 117000.
King Denborough syndrome (KDS). Identifiers: MedGen C1840365, MONDO:0020485, OMIM 619542.
RYR1-related disorder. Also called: RYR1-related condition; RYR1-related disorders. Identifiers: MedGen CN239331.

Allele frequency attached by ClinVar (database versions not stated): gnomAD exomes 0.00002; ExAC 0.00003; TOPMed 0.00003; gnomAD 0.00005.
gnomAD v4.1: 34 of 1,614,018 alleles (0.0021%); highest among the groups gnomAD compares: African/African-American, 0.0093%; no homozygotes.

Submissions (4):

Labcorp Genetics (formerly Invitae), Labcorp
Classification: Uncertain significance for RYR1-related disorder. Last evaluated: 2025-10-13. Review status: criteria provided, single submitter. Criteria: Invitae Variant Classification Sherloc (09022015). Collection method: clinical testing. Allele origin: germline.
Comment: This sequence change replaces serine, which is neutral and polar, with phenylalanine, which is neutral and non-polar, at codon 2721 of the RYR1 protein (p.Ser2721Phe). This variant is present in population databases (rs781377124, gnomAD 0.01%). This variant has not been reported in the literature in individuals affected with RYR1-related conditions. ClinVar contains an entry for this variant (Variation ID: 960866). Invitae Evidence Modeling of protein sequence and biophysical properties (such as structural, functional, and spatial information, amino acid conservation, physicochemical variation, residue mobility, and thermodynamic stability) indicates that this missense variant is not expected to disrupt RYR1 protein function with a negative predictive value of 80%. In summary, the available evidence is currently insufficient to determine the role of this variant in disease. Therefore, it has been classified as a Variant of Uncertain Significance.

Color Diagnostics, LLC DBA Color Health
Classification: Uncertain significance for Malignant hyperthermia, susceptibility to, 1. Last evaluated: 2024-03-13. Review status: criteria provided, single submitter. Criteria: ACMG Guidelines, 2015. Collection method: clinical testing. Allele origin: germline.
Comment: This missense variant replaces serine with phenylalanine at codon 2721 of the RYR1 protein. Computational prediction is inconclusive regarding the impact of this variant on protein structure and function. To our knowledge, functional studies have not been reported for this variant. This variant has not been reported in individuals affected with RYR1-related disorders in the literature. This variant has been identified in 6/282830 chromosomes in the general population by the Genome Aggregation Database (gnomAD). The available evidence is insufficient to determine the role of this variant in disease conclusively. Therefore, this variant is classified as a Variant of Uncertain Significance.

Fulgent Genetics
Classification: Uncertain significance for Central core myopathy; Malignant hyperthermia, susceptibility to, 1; Congenital myopathy 4A, autosomal dominant; Congenital multicore myopathy with external ophthalmoplegia; King Denborough syndrome. Last evaluated: 2021-08-02. Review status: criteria provided, single submitter. Criteria: ACMG Guidelines, 2015. Collection method: clinical testing. Allele origin: unknown.

GeneDx
Classification: Uncertain significance. Last evaluated: 2021-06-22. Review status: criteria provided, single submitter. Criteria: GeneDx Variant Classification Process June 2021. Collection method: clinical testing. Allele origin: germline. Affected: yes.
Comment: Not observed at significant frequency in large population cohorts (Lek et al., 2016); In silico analysis supports that this missense variant has a deleterious effect on protein structure/function; Has not been previously published as pathogenic or benign to our knowledge; This variant is associated with the following publications: (PMID: 12668474, 27535533)

NM_000540.3(RYR1):c.8162C>T (p.Ser2721Phe)

Gene: RYR1 (ryanodine receptor 1; plus strand). Cytogenetic location: 19q13.2.
Variant type: single nucleotide variant.
Coding change: c.8162C>T on transcript NM_000540.3 (MANE Select); coding-DNA position 8162, C replaced by T.
Protein change: p.Ser2721Phe; replaces serine 2721 with phenylalanine.
Molecular consequence: missense variant.
Genome position (GRCh38, 1-based): chr19:38,504,842, C>T. VCF-style: chr19-38504842-C-T. GRCh37 (hg19) VCF-style: chr19-38995482-C-T.
Other names: c.8162C>T, p.Ser2721Phe (NM_001042723.2); short protein forms S2721F.
Identifiers: ClinVar variation 960866 (VCV000960866.12), dbSNP rs781377124, ClinGen allele CA071567.